The following is an entry in ClinVar:

NM_025163.4(PIGZ):c.300T>C (p.Ser100=)

Gene: PIGZ (phosphatidylinositol glycan anchor biosynthesis class Z (Gwada blood group); minus strand). Cytogenetic location: 3q29.
Variant type: single nucleotide variant.
Coding change: c.300T>C on transcript NM_025163.4 (MANE Select); coding-DNA position 300, T replaced by C.
Protein change: p.Ser100=; no amino-acid change (serine 100 retained).
Molecular consequence: synonymous variant.
Genome position (GRCh38, 1-based): chr3:196,948,597, A>G on the plus strand (T>C on the coding strand, the complement: PIGZ is on the minus strand). VCF-style: chr3-196948597-A-G. GRCh37 (hg19) VCF-style: chr3-196675468-A-G.
Identifiers: ClinVar variation 2654520 (VCV002654520.24), dbSNP rs17854327, ClinGen allele CA2783977.

ClinVar aggregate classification (germline): Benign (1 of 4 stars; one submission).

Allele frequency attached by ClinVar (database versions not stated): 1000 Genomes Project 0.00300; 1000 Genomes Project 30x 0.00328; TOPMed 0.00648; gnomAD 0.00737; ESP Exome Variant Server 0.00909; ExAC 0.01617.

Submission:

CeGaT Center for Human Genetics Tuebingen
Classification: Benign. Last evaluated: 2024-01-01. Review status: criteria provided, single submitter. Criteria: CeGaT Center For Human Genetics Tuebingen Variant Classification Criteria Version 2. Collection method: clinical testing. Allele origin: germline. Affected: yes. Observed: 3 variant alleles.
Comment: PIGZ: BP4, BP7, BS1, BS2